The following is an entry in ClinVar:

ClinVar aggregate classification (germline): Likely pathogenic (1 of 4 stars; one submission).

Conditions:
Familial dysautonomia. Also called: HSAN III; FD. Identifiers: Orphanet 1764, MedGen C0013364, MONDO:0009131, OMIM 223900. Disease mechanism: loss of function.

Submission:

Natera, Inc.
Classification: Likely pathogenic for Familial dysautonomia. Last evaluated: 2025-06-20. Review status: criteria provided, single submitter. Criteria: Natera Variant Classification Schema (03/2026). Collection method: clinical testing. Allele origin: germline.
Comment: The c.254_255del variant in ELP1 is a frameshift variant predicted to shift the reading frame beginning at codon 85 and leads to a stop codon 35 codons downstream. This variant is expected to result in nonsense mediated decay, truncation, or a dysfunctional protein product. This variant is rare in the general population with a frequency below the threshold expected for the associated phenotype(s). Given the available evidence, this variant is classified as Likely Pathogenic.

NM_003640.5(ELP1):c.254_255del (p.Val85fs)

Gene: ELP1 (elongator acetyltransferase complex subunit 1; minus strand). Cytogenetic location: 9q31.3.
Variant type: Microsatellite.
Coding change: c.254_255del on transcript NM_003640.5 (MANE Select); coding-DNA positions 254 to 255, 2 bases deleted (TG; older notation c.254_255delTG).
Protein change: p.Val85fs; shifts the reading frame from valine 85.
Molecular consequence: frameshift variant. On other transcripts: 5 prime UTR variant (2).
Genome position (GRCh38, 1-based): chr9:108,929,817-108,929,818, CA deleted on the plus strand (TG on the coding strand, the reverse complement: ELP1 is on the minus strand); deleting any 2 consecutive bases within chr9:108,929,817-108,929,826 gives the same sequence; the c. name uses the placement nearest the transcript's 3' end. VCF-style (leftmost placement, unchanged base first): chr9-108929816-CCA-C. GRCh37 (hg19) VCF-style: chr9-111692096-CCA-C.
Other names: c.-97TG[4] (NM_001318360.2); c.-614TG[4] (NM_001330749.2); short protein forms V85fs.
Identifiers: ClinVar variation 4815198 (VCV004815198.1).
Genomic context (GRCh38, chr9:108,929,816, plus strand): 5'-GTCTTCCACTTACCTGTTGTGTGCTGAGACTGCAGAGTATGACGTCTCCAGAGGCTGTGG[CCA>C]CACACACAGACTCCTGATCCAGCAAGTCCTGAACACCAACAATGCGGCCACTTCCATCCT-3'